The following is an entry in ClinVar:

NR_003137.3(RNU4-2):n.129G>A

Gene: RNU4-2 (RNA, U4 small nuclear 2; minus strand). Cytogenetic location: 12q24.23.
Variant type: single nucleotide variant.
Molecular consequence: non-coding transcript variant (on NR_003137.3).
Genome position: GRCh38 VCF-style: chr12-120291775-C-T. GRCh37 (hg19) VCF-style: chr12-120729578-C-T.
Identifiers: ClinVar variation 4277365 (VCV004277365.2).
Genomic context (GRCh38, chr12:120,291,775, plus strand): 5'-ATAATACAACTTCCTAAAACCCTTTTCTTTAGACTTTTAAAAATTCAGTCTCCGTAGAGA[C>T]TGTCAAAAATTGCCAATGCCGACTATATTTCAAGTCGTCATGGCGGGGTATTGGGAAAAG-3'

ClinVar aggregate classification (germline): Uncertain significance. Review status: criteria provided, multiple submitters, no conflicts (2 of 4 stars). 2 submissions from 2 submitters: Uncertain significance (2). Last evaluated 2026-02-11.

Conditions:
Neurodevelopmental disorder with hypotonia, brain anomalies, distinctive facies, and absent language. Also called: RNU4-2-Related Neurodevelopmental Disorder; ReNU SYNDROME; RNU4-2–Related Autosomal Dominant Neurodevelopmental Disorder. Identifiers: Orphanet 686488, MedGen C5935628, MONDO:0971172, OMIM 620851.
Autosomal recessive RNU4-2-related neurodevelopmental disorder.

gnomAD v4.1: 3 of 152,178 alleles (0.002%); highest among the groups gnomAD compares: African/African-American, 0.0072%; no homozygotes.

Submissions (2):

Centre for Population Genomics, CPG
Classification: Uncertain significance for RNU4-2-Related Neurodevelopmental Disorder. Last evaluated: 2026-02-11. Review status: criteria provided, single submitter. Criteria: Ellingford et al. (Genome Med. 2022). Collection method: research. Allele origin: germline. Inheritance: Autosomal recessive inheritance. Affected: yes. Observed: 2 variant alleles, 2 compound heterozygotes.
Comment: PM2_supp,PS3_supp,PM3

Undiagnosed Diseases Network, NIH
Classification: Uncertain significance for Autosomal recessive RNU4-2-related neurodevelopmental disorder. Last evaluated: 2025-08-07. Review status: criteria provided, single submitter. Criteria: ACMG Guidelines, 2015. Collection method: clinical testing. Allele origin: paternal. Affected: yes. Observed: 2 variant alleles, 2 compound heterozygotes. Clinical features observed: Microcephaly (HP:0000252), Exotropia (HP:0000577), Ataxia (HP:0001251), Global developmental delay (HP:0001263), Motor delay (HP:0001270), Absent speech (HP:0001344), Joint stiffness (HP:0001387), Failure to thrive (HP:0001508), Pes planus (HP:0001763), Gait ataxia (HP:0002066), Broad-based gait (HP:0002136), Simple febrile seizure (HP:0011171), and 4 more. Study: Undiagnosed Diseases Network (NIH), UDN.
Comment: See preprint DOI 10.1101/2025.08.13.25333306.

Literature cited by the submitters: PubMed 40297424 (cited by Undiagnosed Diseases Network, NIH).